The following is an entry in ClinVar:

NM_004304.5(ALK):c.3240G>A (p.Leu1080=)

Gene: ALK (ALK receptor tyrosine kinase; minus strand). Cytogenetic location: 2p23.2.
Variant type: single nucleotide variant.
Coding change: c.3240G>A on transcript NM_004304.5 (MANE Select); coding-DNA position 3240, G replaced by A.
Protein change: p.Leu1080=; no amino-acid change (leucine 1080 retained).
Molecular consequence: synonymous variant.
Genome position (GRCh38, 1-based): chr2:29,223,461, C>T on the plus strand (G>A on the coding strand, the complement: ALK is on the minus strand). VCF-style: chr2-29223461-C-T. GRCh37 (hg19) VCF-style: chr2-29446327-C-T.
Other names: c.36G>A, p.Leu12= (NM_001353765.2).
Identifiers: ClinVar variation 1638385 (VCV001638385.34), dbSNP rs760768939, ClinGen allele CA1594030.
Genomic context (GRCh38, chr2:29,223,461, plus strand): 5'-GCCAGCAAAGCAGTAGTTGGGGTTGTAGTCGGTCATGATGGTCGAGGTGCGGAGCTTGCT[C>T]AGCTTGTACTCAGGGCTCTGCAGCTCCATCTGCATGGCTTGCAGCTCCTGGTGCTTCCGG-3'
Protein context (NP_004295.2, residues 1070-1090): QMELQSPEYK[Leu1080=]SKLRTSTIMT

ClinVar aggregate classification (germline): Likely benign. Review status: criteria provided, multiple submitters, no conflicts (2 of 4 stars). 3 submissions from 3 submitters: Likely benign (3). Last evaluated 2025-11-05.

Conditions:
Hereditary cancer-predisposing syndrome. Also called: Hereditary Cancer Syndrome; Neoplastic Syndromes, Hereditary; Hereditary neoplastic syndrome; Tumor predisposition. Identifiers: Orphanet 140162, MedGen C0027672, MeSH D009386, MONDO:0015356.
Neuroblastoma, susceptibility to, 3. Also called: ALK-Related Neuroblastic Tumor Susceptibility. Identifiers: Orphanet 635, MedGen C2751681, MONDO:0013083, OMIM 613014.

gnomAD v4.1: 4 of 1,614,162 alleles (0.00025%); highest among the groups gnomAD compares: Non-Finnish European, 0.00034%; no homozygotes.

Submissions (3):

Labcorp Genetics (formerly Invitae), Labcorp
Classification: Likely benign for Neuroblastoma, susceptibility to, 3. Last evaluated: 2025-11-05. Review status: criteria provided, single submitter. Criteria: Invitae Variant Classification Sherloc (09022015). Collection method: clinical testing. Allele origin: germline.

CeGaT Center for Human Genetics Tuebingen
Classification: Likely benign. Last evaluated: 2023-05-01. Review status: criteria provided, single submitter. Criteria: CeGaT Center For Human Genetics Tuebingen Variant Classification Criteria Version 2. Collection method: clinical testing. Allele origin: germline. Affected: yes. Observed: 1 variant allele.
Comment: ALK: BP4, BP7

Ambry Genetics
Classification: Likely benign for Hereditary cancer-predisposing syndrome. Last evaluated: 2022-04-25. Review status: criteria provided, single submitter. Criteria: Ambry Variant Classification Scheme 2023. Collection method: clinical testing. Allele origin: germline.